The following is an entry in ClinVar:

NM_002691.4(POLD1):c.1505A>G (p.Asp502Gly)

Gene: POLD1 (DNA polymerase delta 1, catalytic subunit; plus strand). Cytogenetic location: 19q13.33.
Variant type: single nucleotide variant.
Coding change: c.1505A>G on transcript NM_002691.4 (MANE Select); coding-DNA position 1505, A replaced by G.
Protein change: p.Asp502Gly; replaces aspartic acid 502 with glycine.
Molecular consequence: missense variant. On other transcripts: non-coding transcript variant (1).
Genome position (GRCh38, 1-based): chr19:50,406,993, A>G. VCF-style: chr19-50406993-A-G. GRCh37 (hg19) VCF-style: chr19-50910250-A-G.
Other names: c.1505A>G, p.Asp502Gly (NM_001256849.1, NM_001308632.1); short protein forms D502G.
Identifiers: ClinVar variation 469202 (VCV000469202.21), dbSNP rs1313176102, ClinGen allele CA406980764.

ClinVar aggregate classification (germline): Uncertain significance. Review status: criteria provided, multiple submitters, no conflicts (2 of 4 stars). 7 submissions from 7 submitters: Uncertain significance (7). Last evaluated 2026-08-06.

Conditions:
POLD1-related polyposis and colorectal cancer syndrome (CRCS10). Also called: Colorectal cancer 10; COLORECTAL CANCER, SUSCEPTIBILITY TO, ON CHROMOSOME 19q; Colorectal cancer, susceptibility to, 10. Identifiers: Orphanet 220460, MedGen C2675481, MONDO:0012953, OMIM 612591.
Hereditary cancer-predisposing syndrome. Also called: Neoplastic Syndromes, Hereditary; Hereditary neoplastic syndrome; Tumor predisposition; Hereditary Cancer Syndrome. Identifiers: Orphanet 140162, MedGen C0027672, MeSH D009386, MONDO:0015356.

Allele frequency attached by ClinVar (database versions not stated): gnomAD exomes below 0.00001; TOPMed below 0.00001.
gnomAD v4.1: 2 of 1,599,034 alleles (0.00013%); highest among the groups gnomAD compares: Non-Finnish European, 0.00017%; no homozygotes.

Submissions (7):

OLLIN Analises Genomicas, OLLIN
Classification: Uncertain significance for POLD1-related polyposis and colorectal cancer syndrome. Last evaluated: 2026-08-06. Review status: criteria provided, single submitter. Criteria: ACMG Guidelines 2015 PMID 25741868. Collection method: clinical testing. Allele origin: germline. Inheritance: Autosomal recessive inheritance.
Comment: This missense variant, located in exon 13 (of 27), has been reported in ClinVar (accession VCV000469202.19) and in gnomAD with an allele frequency of 0.00013%. However, to our knowledge, it has not been reported in the scientific literature. In silico analysis predicts that this variant has a tolerated effect. According to the currently available evidence, this variant has been classified as uncertain significance (PM2_P, BP4_M).

Ambry Genetics
Classification: Uncertain significance for Hereditary cancer-predisposing syndrome. Last evaluated: 2025-12-10. Review status: criteria provided, single submitter. Criteria: Ambry Variant Classification Scheme 2023. Collection method: clinical testing. Allele origin: germline.
Comment: The p.D502G variant (also known as c.1505A>G), located in coding exon 12 of the POLD1 gene, results from an A to G substitution at nucleotide position 1505. The aspartic acid at codon 502 is replaced by glycine, an amino acid with similar properties. This amino acid position is not well conserved in available vertebrate species. In addition, this alteration is predicted to be tolerated by in silico analysis. Since supporting evidence is limited at this time, the clinical significance of this alteration remains unclear.

Labcorp Genetics (formerly Invitae), Labcorp
Classification: Uncertain significance for POLD1-related polyposis and colorectal cancer syndrome. Last evaluated: 2025-11-02. Review status: criteria provided, single submitter. Criteria: Invitae Variant Classification Sherloc (09022015). Collection method: clinical testing. Allele origin: germline.
Comment: This sequence change replaces aspartic acid, which is acidic and polar, with glycine, which is neutral and non-polar, at codon 502 of the POLD1 protein (p.Asp502Gly). This variant is not present in population databases (gnomAD no frequency). This variant has not been reported in the literature in individuals affected with POLD1-related conditions. ClinVar contains an entry for this variant (Variation ID: 469202). Invitae Evidence Modeling of protein sequence and biophysical properties (such as structural, functional, and spatial information, amino acid conservation, physicochemical variation, residue mobility, and thermodynamic stability) indicates that this missense variant is not expected to disrupt POLD1 protein function with a negative predictive value of 80%. In summary, the available evidence is currently insufficient to determine the role of this variant in disease. Therefore, it has been classified as a Variant of Uncertain Significance.

Unidad de Genética Molecular HGU Elche, Hospital General Universitario de Elche
Classification: Uncertain significance for Hereditary cancer-predisposing syndrome. Last evaluated: 2025-05-05. Review status: criteria provided, single submitter. Criteria: ACMG Guidelines, 2015. Collection method: clinical testing. Allele origin: germline. Affected: yes.
Comment: PM2 strong; BP4 strong

Quest Diagnostics Nichols Institute San Juan Capistrano
Classification: Uncertain significance. Last evaluated: 2025-02-12. Review status: criteria provided, single submitter. Criteria: Quest Diagnostics criteria. Collection method: clinical testing. Allele origin: unknown.
Comment: The POLD1 c.1505A>G (p.Asp502Gly) variant has been reported in the published literature in the somatic state in a colorectal cancer tumor specimen (PMID: 38849509 (2024)). The frequency of this variant in the general population (Genome Aggregation Database) is uninformative in the assessment of its pathogenicity. Analysis of this variant using bioinformatics tools for the prediction of the effect of amino acid changes on protein structure and function yielded conflicting predictions that this variant is deleterious or benign. Based on the available information, we are unable to determine the clinical significance of this variant.

Blueprint Genetics
Classification: Uncertain significance. Last evaluated: 2024-09-06. Review status: criteria provided, single submitter. Criteria: ACMG Guidelines, 2015. Collection method: clinical testing. Allele origin: germline.

GeneDx
Classification: Uncertain significance. Last evaluated: 2023-01-24. Review status: criteria provided, single submitter. Criteria: GeneDx Variant Classification Process June 2021. Collection method: clinical testing. Allele origin: germline. Affected: yes.
Comment: Not observed at a significant frequency in large population cohorts (gnomAD); In silico analysis, which includes protein predictors and evolutionary conservation, supports a deleterious effect; Has not been previously published as pathogenic or benign to our knowledge; This variant is associated with the following publications: (PMID: 20951805)

Literature cited by the submitters: PubMed 38849509 (cited by Quest Diagnostics Nichols Institute San Juan Capistrano).